The following is an entry in ClinVar:

NM_177438.3(DICER1):c.2576G>A (p.Arg859Gln)

Gene: DICER1 (dicer 1, ribonuclease III; minus strand). Cytogenetic location: 14q32.13.
Variant type: single nucleotide variant.
Coding change: c.2576G>A on transcript NM_177438.3 (MANE Select); coding-DNA position 2576, G replaced by A.
Protein change: p.Arg859Gln; replaces arginine 859 with glutamine.
Molecular consequence: missense variant.
Genome position (GRCh38, 1-based): chr14:95,107,954, C>T on the plus strand (G>A on the coding strand, the complement: DICER1 is on the minus strand). VCF-style: chr14-95107954-C-T. GRCh37 (hg19) VCF-style: chr14-95574291-C-T.
Other names: c.2576G>A, p.Arg859Gln (NM_001195573.1, NM_001271282.3, NM_001291628.2 and 1 more transcripts); short protein forms R859Q.
Identifiers: ClinVar variation 583242 (VCV000583242.13), dbSNP rs765333464, ClinGen allele CA7331221.

ClinVar aggregate classification (germline): Uncertain significance. Review status: criteria provided, multiple submitters, no conflicts (2 of 4 stars). 2 submissions from 2 submitters: Uncertain significance (2). Last evaluated 2026-04-08.

Conditions:
DICER1-related tumor predisposition. Also called: DICER1 syndrome; DICER1-related pleuropulmonary blastoma cancer predisposition syndrome. Identifiers: Orphanet 284343, MedGen C3839822, MONDO:0100216.
Hereditary cancer-predisposing syndrome. Also called: Tumor predisposition; Hereditary Cancer Syndrome; Neoplastic Syndromes, Hereditary; Hereditary neoplastic syndrome. Identifiers: Orphanet 140162, MedGen C0027672, MeSH D009386, MONDO:0015356.

Allele frequency attached by ClinVar (database versions not stated): gnomAD exomes below 0.00001; ExAC 0.00001.
gnomAD v4.1: 4 of 1,613,792 alleles (0.00025%); highest among the groups gnomAD compares: East Asian, 0.0022%; no homozygotes.

Submissions (2):

Ambry Genetics
Classification: Uncertain significance for Hereditary cancer-predisposing syndrome. Last evaluated: 2026-04-08. Review status: criteria provided, single submitter. Criteria: Ambry Variant Classification Scheme 2023. Collection method: clinical testing. Allele origin: germline.
Comment: The p.R859Q variant (also known as c.2576G>A), located in coding exon 15 of the DICER1 gene, results from a G to A substitution at nucleotide position 2576. The arginine at codon 859 is replaced by glutamine, an amino acid with highly similar properties. This amino acid position is highly conserved in available vertebrate species. In addition, this alteration is predicted to be deleterious by in silico analysis. Based on the available evidence, the clinical significance of this variant remains unclear.

Labcorp Genetics (formerly Invitae), Labcorp
Classification: Uncertain significance for DICER1-related tumor predisposition. Last evaluated: 2024-01-12. Review status: criteria provided, single submitter. Criteria: Invitae Variant Classification Sherloc (09022015). Collection method: clinical testing. Allele origin: germline.
Comment: This sequence change replaces arginine, which is basic and polar, with glutamine, which is neutral and polar, at codon 859 of the DICER1 protein (p.Arg859Gln). This variant is present in population databases (rs765333464, gnomAD 0.01%). This variant has not been reported in the literature in individuals affected with DICER1-related conditions. ClinVar contains an entry for this variant (Variation ID: 583242). Advanced modeling of protein sequence and biophysical properties (such as structural, functional, and spatial information, amino acid conservation, physicochemical variation, residue mobility, and thermodynamic stability) performed at Invitae indicates that this missense variant is not expected to disrupt DICER1 protein function with a negative predictive value of 80%. In summary, the available evidence is currently insufficient to determine the role of this variant in disease. Therefore, it has been classified as a Variant of Uncertain Significance.